The following is an entry in ClinVar:

NM_014845.6(FIG4):c.57G>C (p.Glu19Asp)

Gene: FIG4 (FIG4 phosphoinositide 5-phosphatase; plus strand). Cytogenetic location: 6q21.
Variant type: single nucleotide variant.
Coding change: c.57G>C on transcript NM_014845.6 (MANE Select); coding-DNA position 57, G replaced by C.
Protein change: p.Glu19Asp; replaces glutamic acid 19 with aspartic acid.
Molecular consequence: missense variant.
Genome position (GRCh38, 1-based): chr6:109,691,492, G>C. VCF-style: chr6-109691492-G-C. GRCh37 (hg19) VCF-style: chr6-110012695-G-C.
Other names: short protein forms E19D.
Identifiers: ClinVar variation 1461439 (VCV001461439.6), dbSNP rs2128375315, ClinGen allele CA365206788.

ClinVar aggregate classification (germline): Uncertain significance (1 of 4 stars; one submission).

Conditions:
Charcot-Marie-Tooth disease type 4. Also called: Charcot-Marie-Tooth, Type 4; Charcot-Marie-Tooth disease, type IV. Identifiers: Orphanet 64749, MedGen C4082197, MONDO:0018995.

gnomAD v4.1: 4 of 1,580,748 alleles (0.00025%); highest among the groups gnomAD compares: Non-Finnish European, 0.00026%; no homozygotes.

Submission:

Labcorp Genetics (formerly Invitae), Labcorp
Classification: Uncertain significance for Charcot-Marie-Tooth disease type 4. Last evaluated: 2021-08-05. Review status: criteria provided, single submitter. Criteria: Invitae Variant Classification Sherloc (09022015). Collection method: clinical testing. Allele origin: germline.
Comment: In summary, the available evidence is currently insufficient to determine the role of this variant in disease. Therefore, it has been classified as a Variant of Uncertain Significance. Algorithms developed to predict the effect of missense changes on protein structure and function (SIFT, PolyPhen-2, Align-GVGD) all suggest that this variant is likely to be tolerated. This variant has not been reported in the literature in individuals affected with FIG4-related conditions. This variant is not present in population databases (ExAC no frequency). This sequence change replaces glutamic acid with aspartic acid at codon 19 of the FIG4 protein (p.Glu19Asp). The glutamic acid residue is moderately conserved and there is a small physicochemical difference between glutamic acid and aspartic acid.